The following is an entry in ClinVar:

ClinVar aggregate classification (germline): Pathogenic (1 of 4 stars; one submission).

Submission:

Labcorp Genetics (formerly Invitae), Labcorp
Classification: Pathogenic. Last evaluated: 2024-02-24. Review status: criteria provided, single submitter. Criteria: Invitae Variant Classification Sherloc (09022015). Collection method: clinical testing. Allele origin: germline.
Comment: This sequence change creates a premature translational stop signal (p.Gln1628*) in the COL11A1 gene. It is expected to result in an absent or disrupted protein product. Loss-of-function variants in COL11A1 are known to be pathogenic (PMID: 20513134, 21035103, 23922384, 25240749, 32427345, 32756486). This variant is not present in population databases (gnomAD no frequency). This variant has not been reported in the literature in individuals affected with COL11A1-related conditions. ClinVar contains an entry for this variant (Variation ID: 2096929). For these reasons, this variant has been classified as Pathogenic.

Literature cited by the submitters: PubMed 20513134; PubMed 21035103; PubMed 23922384; PubMed 25240749; PubMed 32427345; PubMed 32756486.

NM_001854.4(COL11A1):c.4882C>T (p.Gln1628Ter)

Gene: COL11A1 (collagen type XI alpha 1 chain; minus strand). Cytogenetic location: 1p21.1.
Variant type: single nucleotide variant.
Coding change: c.4882C>T on transcript NM_001854.4 (MANE Select); coding-DNA position 4882, C replaced by T.
Protein change: p.Gln1628Ter; replaces glutamine 1628 with a stop codon.
Molecular consequence: nonsense. On other transcripts: non-coding transcript variant (1).
Genome position (GRCh38, 1-based): chr1:102,883,288, G>A on the plus strand (C>T on the coding strand, the complement: COL11A1 is on the minus strand). VCF-style: chr1-102883288-G-A. GRCh37 (hg19) VCF-style: chr1-103348844-G-A.
Other names: c.4765C>T, p.Gln1589Ter (NM_001190709.2); c.4918C>T, p.Gln1640Ter (NM_080629.3); c.4534C>T, p.Gln1512Ter (NM_080630.4, NM_001168249.1); short protein forms Q1640*, Q1512*, Q1589*, Q1628*.
Identifiers: ClinVar variation 2096929 (VCV002096929.4), dbSNP rs2524193671, ClinGen allele CA341211629.